The following is an entry in ClinVar:

NM_001378615.1(CC2D2A):c.879dup (p.Val294fs)

Genes: CC2D2A (coiled-coil and C2 domain containing 2A; plus strand), FBXL5 (F-box and leucine rich repeat protein 5; minus strand). Cytogenetic location: 4p15.32.
Variant type: Duplication.
Coding change: c.879dup on transcript NM_001378615.1 (MANE Select); coding-DNA position 879, one base duplicated (A; older notation c.879dupA).
Protein change: p.Val294fs; shifts the reading frame from valine 294.
Molecular consequence: frameshift variant.
Genome position (GRCh38, 1-based): chr4:15,514,868, A duplicated. VCF-style (leftmost placement, unchanged base first): chr4-15514867-C-CA. GRCh37 (hg19) VCF-style: chr4-15516490-C-CA.
Other names: c.879dup, p.Val294fs (NM_001080522.2); c.732dup, p.Val245fs (NM_001378617.1); short protein forms V245fs, V294fs.
Identifiers: ClinVar variation 5014881 (VCV005014881.1).
Genomic context (GRCh38, chr4:15,514,867, plus strand): 5'-AAAGCATCCATGATCGGCTGCAGATGGAAAGAGAAATGCTCTTCATACCCAGTAGGCAGA[C>CA]AGGTACTTGCTCTTTTTATTTTCTTGTTCAGCTTAGACATCGTCACTTACCTTGTCATGA-3'

ClinVar aggregate classification (germline): Pathogenic (1 of 4 stars; one submission).

Conditions:
Joubert syndrome and related disorders. Identifiers: Orphanet 140874, MedGen C5679612, MONDO:0015369.

Submission:

Myriad Genetics, Inc.
Classification: Pathogenic for Joubert syndrome and related disorders. Last evaluated: 2025-08-18. Review status: criteria provided, single submitter. Criteria: Myriad Autosomal Dominant, Autosomal Recessive and X-Linked Classification Criteria (2023). Collection method: clinical testing. Allele origin: unknown.
Comment: NM_001080522.2(CC2D2A):c.879dupA(V294Sfs*5) is expected to be pathogenic in the context of CC2D2A-related disorders. This variant is predicted to lead to an abnormal or absent protein product due to the creation of a premature termination codon in CC2D2A, a gene where loss-of-function variants are known to be pathogenic. Please note: this variant was assessed in the context of healthy population screening.